The following is an entry in ClinVar:

NM_000053.4(ATP7B):c.4114C>G (p.Gln1372Glu)

Gene: ATP7B (ATPase copper transporting beta; minus strand). Cytogenetic location: 13q14.3.
Variant type: single nucleotide variant.
Coding change: c.4114C>G on transcript NM_000053.4 (MANE Select); coding-DNA position 4114, C replaced by G.
Protein change: p.Gln1372Glu; replaces glutamine 1372 with glutamic acid.
Molecular consequence: missense variant.
Genome position (GRCh38, 1-based): chr13:51,935,603, G>C on the plus strand (C>G on the coding strand, the complement: ATP7B is on the minus strand). VCF-style: chr13-51935603-G-C. GRCh37 (hg19) VCF-style: chr13-52509739-G-C.
Other names: c.3493C>G, p.Gln1165Glu (NM_001005918.3); c.3781C>G, p.Gln1261Glu (NM_001243182.2); c.3880C>G, p.Gln1294Glu (NM_001330578.2); c.3862C>G, p.Gln1288Glu (NM_001330579.2); short protein forms Q1261E, Q1288E, Q1294E, Q1165E, Q1372E.
Identifiers: ClinVar variation 1429372 (VCV001429372.5), dbSNP rs755584106, ClinGen allele CA250072098.

ClinVar aggregate classification (germline): Uncertain significance. Review status: criteria provided, multiple submitters, no conflicts (2 of 4 stars). 2 submissions from 2 submitters: Uncertain significance (2). Last evaluated 2024-06-09.

Conditions:
Wilson disease (WND). Also called: Wilson's disease. Identifiers: Orphanet 905, MedGen C0019202, MONDO:0010200, OMIM 277900. Disease mechanism: loss of function.

Allele frequency attached by ClinVar (database versions not stated): gnomAD 0.00001; TOPMed 0.00004.
gnomAD v4.1: 6 of 1,613,304 alleles (0.00037%); highest among the groups gnomAD compares: African/African-American, 0.004%; no homozygotes.

Submissions (2):

All of Us Research Program, National Institutes of Health
Classification: Uncertain significance for Wilson disease. Last evaluated: 2024-06-09. Review status: criteria provided, single submitter. Criteria: ACMG Guidelines, 2015. Collection method: clinical testing. Allele origin: germline. Inheritance: Autosomal recessive inheritance. Observed: 5 variant alleles, 5 heterozygotes.
Comment: This missense variant replaces glutamine with glutamic acid at codon 1372 of the ATP7B protein. Computational prediction suggests that this variant may have deleterious impact on protein structure and function (internally defined REVEL score threshold >= 0.7, PMID: 27666373). To our knowledge, functional studies have not been reported for this variant. This variant has not been reported in individuals affected with Wilson disease in the literature. This variant has been identified in 1/246332 chromosomes in the general population by the Genome Aggregation Database (gnomAD). The available evidence is insufficient to determine the role of this variant in disease conclusively. Therefore, this variant is classified as a Variant of Uncertain Significance.

This study involves interpretation of variants in research participants for the purpose of population health screening. Participant phenotype was not available at the time of variant classification. Additional details can be found in publication PMID: 35346344, PMCID: PMC8962531

Labcorp Genetics (formerly Invitae), Labcorp
Classification: Uncertain significance for Wilson disease. Last evaluated: 2022-08-17. Review status: criteria provided, single submitter. Criteria: Invitae Variant Classification Sherloc (09022015). Collection method: clinical testing. Allele origin: germline.
Comment: This sequence change replaces glutamine, which is neutral and polar, with glutamic acid, which is acidic and polar, at codon 1372 of the ATP7B protein (p.Gln1372Glu). This variant is present in population databases (no rsID available, gnomAD 0.003%). This variant has not been reported in the literature in individuals affected with ATP7B-related conditions. ClinVar contains an entry for this variant (Variation ID: 1429372). Algorithms developed to predict the effect of missense changes on protein structure and function (SIFT, PolyPhen-2, Align-GVGD) all suggest that this variant is likely to be tolerated. In summary, the available evidence is currently insufficient to determine the role of this variant in disease. Therefore, it has been classified as a Variant of Uncertain Significance.